The following is an entry in ClinVar:

ClinVar aggregate classification (germline): Uncertain significance. Review status: criteria provided, multiple submitters, no conflicts (2 of 4 stars). 2 submissions from 2 submitters: Uncertain significance (2). Last evaluated 2024-04-17.

Allele frequency attached by ClinVar (database versions not stated): ExAC 0.00002; gnomAD 0.00002; gnomAD exomes 0.00003; TOPMed 0.00003.
gnomAD v4.1: 42 of 1,612,504 alleles (0.0026%); highest among the groups gnomAD compares: South Asian, 0.0044%; 1 homozygote.

Submissions (2):

Ambry Genetics
Classification: Uncertain significance. Last evaluated: 2024-04-17. Review status: criteria provided, single submitter. Criteria: Ambry Variant Classification Scheme 2023. Collection method: clinical testing. Allele origin: germline.

GeneDx
Classification: Uncertain significance. Last evaluated: 2019-05-02. Review status: criteria provided, single submitter. Criteria: GeneDx Variant Classification Process June 2021. Collection method: clinical testing. Allele origin: germline. Affected: yes.
Comment: In silico analysis, which includes protein predictors and evolutionary conservation, supports a deleterious effect; Has not been previously published as pathogenic or benign to our knowledge

NM_002461.3(MVD):c.359C>T (p.Thr120Met)

Gene: MVD (mevalonate diphosphate decarboxylase; minus strand). Cytogenetic location: 16q24.2.
Variant type: single nucleotide variant.
Coding change: c.359C>T on transcript NM_002461.3 (MANE Select); coding-DNA position 359, C replaced by T.
Protein change: p.Thr120Met; replaces threonine 120 with methionine.
Molecular consequence: missense variant.
Genome position (GRCh38, 1-based): chr16:88,657,480, G>A on the plus strand (C>T on the coding strand, the complement: MVD is on the minus strand). VCF-style: chr16-88657480-G-A. GRCh37 (hg19) VCF-style: chr16-88723888-G-A.
Other names: c.359C>T (NM_002461.1); short protein forms T120M.
Identifiers: ClinVar variation 1305389 (VCV001305389.3), dbSNP rs757884457, ClinGen allele CA8228978.